The following is an entry in ClinVar:

ClinVar aggregate classification (germline): Benign/Likely benign. Review status: criteria provided, multiple submitters, no conflicts (2 of 4 stars). 2 submissions from 2 submitters: Benign (1); Likely benign (1). Last evaluated 2026-03-01.

Conditions:
Developmental and epileptic encephalopathy, 36 (DEE36). Also called: Epileptic encephalopathy, early infantile, 36; Congenital disorder of glycosylation, type Is; ALG13-CDG. Identifiers: Orphanet 324422, MedGen C4317295, MONDO:0010472, OMIM 300884.

Allele frequency attached by ClinVar (database versions not stated): gnomAD exomes 0.00003 and 0.00008; ExAC 0.00004; gnomAD 0.00005; TOPMed 0.00005; ESP Exome Variant Server 0.00012; 1000 Genomes Project 30x 0.00021; 1000 Genomes Project 0.00026.
gnomAD v4.1: 41 of 1,194,069 alleles (0.0034%); highest among the groups gnomAD compares: East Asian, 0.089%; no homozygotes.

Submissions (2):

CeGaT Center for Human Genetics Tuebingen
Classification: Likely benign. Last evaluated: 2026-03-01. Review status: criteria provided, single submitter. Criteria: CeGaT Center For Human Genetics Tuebingen Variant Classification Criteria Version 2. Collection method: clinical testing. Allele origin: germline. Affected: yes. Observed: 1 variant allele.
Comment: ALG13: BP4, BP7, BS2

Labcorp Genetics (formerly Invitae), Labcorp
Classification: Benign for Developmental and epileptic encephalopathy, 36. Last evaluated: 2025-12-06. Review status: criteria provided, single submitter. Criteria: Invitae Variant Classification Sherloc (09022015). Collection method: clinical testing. Allele origin: germline.

NM_001099922.3(ALG13):c.978T>C (p.Tyr326=)

Gene: ALG13 (ALG13 UDP-N-acetylglucosaminyltransferase subunit; plus strand). Cytogenetic location: Xq23.
Variant type: single nucleotide variant.
Coding change: c.978T>C on transcript NM_001099922.3 (MANE Select); coding-DNA position 978, T replaced by C.
Protein change: p.Tyr326=; no amino-acid change (tyrosine 326 retained).
Molecular consequence: synonymous variant. On other transcripts: non-coding transcript variant (1).
Genome position (GRCh38, 1-based): chrX:111,713,270, T>C. VCF-style: chrX-111713270-T-C. GRCh37 (hg19) VCF-style: chrX-110956498-T-C.
Other names: c.666T>C, p.Tyr222= (NM_001257230.2, NM_001257234.2, NM_001257237.2 and 1 more transcripts); c.744T>C, p.Tyr248= (NM_001257231.2); c.978T>C, p.Tyr326= (NM_001324292.2).
Identifiers: ClinVar variation 1600913 (VCV001600913.12), dbSNP rs375739139, ClinGen allele CA10493633.